The following is an entry in ClinVar:

ClinVar aggregate classification (germline): Uncertain significance. Review status: criteria provided, multiple submitters, no conflicts (2 of 4 stars). 2 submissions from 2 submitters: Uncertain significance (2). Last evaluated 2025-10-30.

Conditions:
Inborn genetic diseases. Identifiers: MedGen C0950123, MeSH D030342.
Fanconi anemia (FA). Also called: Fanconi's anemia. Identifiers: Orphanet 84, MedGen C0015625, MeSH D005199, MONDO:0019391.

Allele frequency attached by ClinVar (database versions not stated): gnomAD exomes below 0.00001; ExAC 0.00001.
gnomAD v4.1: 6 of 1,614,010 alleles (0.00037%); highest among the groups gnomAD compares: Middle Eastern, 0.017%; no homozygotes.

Submissions (2):

Ambry Genetics
Classification: Uncertain significance for Inborn genetic diseases. Last evaluated: 2025-10-30. Review status: criteria provided, single submitter. Criteria: Ambry Variant Classification Scheme 2023. Collection method: clinical testing. Allele origin: germline.
Comment: The p.T982S variant (also known as c.2945C>G), located in coding exon 30 of the FANCA gene, results from a C to G substitution at nucleotide position 2945. The threonine at codon 982 is replaced by serine, an amino acid with similar properties. This amino acid position is conserved. In addition, this alteration is predicted to be tolerated by in silico analysis. Based on the available evidence, the clinical significance of this variant remains unclear.

Labcorp Genetics (formerly Invitae), Labcorp
Classification: Uncertain significance for Fanconi anemia. Last evaluated: 2021-09-24. Review status: criteria provided, single submitter. Criteria: Invitae Variant Classification Sherloc (09022015). Collection method: clinical testing. Allele origin: germline.
Comment: This sequence change replaces threonine with serine at codon 982 of the FANCA protein (p.Thr982Ser). The threonine residue is moderately conserved and there is a small physicochemical difference between threonine and serine. This variant is present in population databases (rs772577909, ExAC 0.006%). This variant has not been reported in the literature in individuals with FANCA-related conditions. Advanced modeling of protein sequence and biophysical properties (such as structural, functional, and spatial information, amino acid conservation, physicochemical variation, residue mobility, and thermodynamic stability) performed at Invitae indicates that this missense variant is not expected to disrupt FANCA protein function. In summary, the available evidence is currently insufficient to determine the role of this variant in disease. Therefore, it has been classified as a Variant of Uncertain Significance.

NM_000135.4(FANCA):c.2945C>G (p.Thr982Ser)

Gene: FANCA (FA complementation group A; minus strand). Cytogenetic location: 16q24.3.
Variant type: single nucleotide variant.
Coding change: c.2945C>G on transcript NM_000135.4 (MANE Select); coding-DNA position 2945, C replaced by G.
Protein change: p.Thr982Ser; replaces threonine 982 with serine.
Molecular consequence: missense variant.
Genome position (GRCh38, 1-based): chr16:89,758,613, G>C on the plus strand (C>G on the coding strand, the complement: FANCA is on the minus strand). VCF-style: chr16-89758613-G-C. GRCh37 (hg19) VCF-style: chr16-89825021-G-C.
Other names: c.2945C>G (NM_000135.2); c.2945C>G, p.Thr982Ser (NM_001286167.3); short protein forms T982S.
Identifiers: ClinVar variation 1438655 (VCV001438655.6), dbSNP rs772577909, ClinGen allele CA8251429.
Genomic context (GRCh38, chr16:89,758,613, plus strand): 5'-CCTAATACAGTGTGTGCTGCTAACCTTTGGTGGAAATCCATCAGTGCGTTGACAAGAATG[G>C]TACACGCAGCCTGCAGGTCTCCGTCACAGCCCCCTGAAGCCGAGGACTCAGGGAGAAAGT-3'
Protein context (NP_000126.2, residues 972-992): GCDGDLQAAC[Thr982Ser]ILVNALMDFH